The following is an entry in ClinVar:

ClinVar aggregate classification (germline): Likely benign. Review status: criteria provided, multiple submitters, no conflicts (2 of 4 stars). 2 submissions from 2 submitters: Likely benign (2). Last evaluated 2026-02-03.

Conditions:
Combined malonic and methylmalonic acidemia. Identifiers: Orphanet 289504, MedGen C3280314, MONDO:0013661, OMIM 614265.

Allele frequency attached by ClinVar (database versions not stated): gnomAD exomes 0.00016; ExAC 0.00020; gnomAD 0.00044 and 0.00046; TOPMed 0.00046; ESP Exome Variant Server 0.00054; 1000 Genomes Project 0.00060; 1000 Genomes Project 30x 0.00062.
gnomAD v4.1: 127 of 1,612,248 alleles (0.0079%); highest among the groups gnomAD compares: African/African-American, 0.15%; no homozygotes.

Submissions (2):

Labcorp Genetics (formerly Invitae), Labcorp
Classification: Likely benign for Combined malonic and methylmalonic acidemia. Last evaluated: 2026-02-03. Review status: criteria provided, single submitter. Criteria: Invitae Variant Classification Sherloc (09022015). Collection method: clinical testing. Allele origin: germline.

GeneDx
Classification: Likely benign. Last evaluated: 2016-12-13. Review status: criteria provided, single submitter. Criteria: GeneDx Variant Classification (06012015). Collection method: clinical testing. Allele origin: germline. Affected: yes.
Comment: This variant is considered likely benign or benign based on one or more of the following criteria: it is a conservative change, it occurs at a poorly conserved position in the protein, it is predicted to be benign by multiple in silico algorithms, and/or has population frequency not consistent with disease.

NM_001243279.3(ACSF3):c.1614-6C>T

Gene: ACSF3 (acyl-CoA synthetase family member 3; plus strand). Cytogenetic location: 16q24.3.
Variant type: single nucleotide variant.
Coding change: c.1614-6C>T on transcript NM_001243279.3 (MANE Select); 6 bases into the intron before coding-DNA position 1614, C replaced by T.
Molecular consequence: intron variant.
Genome position (GRCh38, 1-based): chr16:89,154,084, C>T. VCF-style: chr16-89154084-C-T. GRCh37 (hg19) VCF-style: chr16-89220492-C-T.
Other names: c.1614-6C>T (NM_001127214.4, NM_174917.5); c.819-6C>T (NM_001284316.2).
Identifiers: ClinVar variation 391424 (VCV000391424.12), dbSNP rs368789945, ClinGen allele CA8238347.
Genomic context (GRCh38, chr16:89,154,084, plus strand): 5'-GCGCCTGAGTTCCTCCTGCTGGGCACTGTCAGGGCAGTGCGCCTCAGGCTGTGCTTGTCT[C>T]TGCAGAAATGTCCTGGCCCCGTACGCGGTGCCCTCGGAGCTGGTGCTGGTGGAGGAGATC-3'